The following is an entry in ClinVar:

ClinVar aggregate classification (germline): Pathogenic (1 of 4 stars; one submission).

Submission:

Labcorp Genetics (formerly Invitae), Labcorp
Classification: Pathogenic. Last evaluated: 2022-12-15. Review status: criteria provided, single submitter. Criteria: Invitae Variant Classification Sherloc (09022015). Collection method: clinical testing. Allele origin: germline.
Comment: Algorithms developed to predict the effect of sequence changes on RNA splicing suggest that this variant may create or strengthen a splice site. For these reasons, this variant has been classified as Pathogenic. This variant has not been reported in the literature in individuals affected with HERC1-related conditions. This variant is not present in population databases (gnomAD no frequency). This sequence change creates a premature translational stop signal (p.Gln3688Serfs*3) in the HERC1 gene. It is expected to result in an absent or disrupted protein product. Loss-of-function variants in HERC1 are known to be pathogenic (PMID: 26138117, 26153217, 27108999).

Literature cited by the submitters: PubMed 26138117; PubMed 26153217; PubMed 27108999.

NM_003922.4(HERC1):c.11062del (p.Gln3688fs)

Gene: HERC1 (HECT and RLD domain containing E3 ubiquitin protein ligase family member 1; minus strand). Cytogenetic location: 15q22.31.
Variant type: Deletion.
Coding change: c.11062del on transcript NM_003922.4 (MANE Select); coding-DNA position 11062, one base deleted (C; older notation c.11062delC).
Protein change: p.Gln3688fs; shifts the reading frame from glutamine 3688.
Molecular consequence: frameshift variant.
Genome position (GRCh38, 1-based): chr15:63,645,499, G deleted on the plus strand (C on the coding strand, the reverse complement: HERC1 is on the minus strand). VCF-style (leftmost placement, unchanged base first): chr15-63645498-TG-T. GRCh37 (hg19) VCF-style: chr15-63937697-TG-T.
Other names: short protein forms Q3688fs.
Identifiers: ClinVar variation 2821159 (VCV002821159.3), dbSNP rs2551077319, ClinGen allele CA2739269499.